The following is an entry in ClinVar:

ClinVar aggregate classification (germline): Pathogenic (1 of 4 stars; one submission).

Submission:

Labcorp Genetics (formerly Invitae), Labcorp
Classification: Pathogenic. Last evaluated: 2023-11-27. Review status: criteria provided, single submitter. Criteria: Invitae Variant Classification Sherloc (09022015). Collection method: clinical testing. Allele origin: germline.
Comment: A gross deletion of the genomic region encompassing the full coding sequence of the CLCN4 gene has been identified. Loss-of-function variants in CLCN4 are known to be pathogenic (PMID: 27550844). The boundaries of this event are unknown as they extend beyond the assayed region for this gene and therefore may encompass additional genes. This variant has not been reported in the literature in individuals affected with CLCN4-related conditions. For these reasons, this variant has been classified as Pathogenic.

Literature cited by the submitters: PubMed 27550844.

NC_000023.10:g.(?_8501036)_(11318732_?)del

Genes: ARHGAP6 (Rho GTPase activating protein 6; minus strand), CLCN4 (chloride voltage-gated channel 4; plus strand), FAM9A (family with sequence similarity 9 member A; minus strand), FAM9B (family with sequence similarity 9 member B; minus strand), GPR143 (G protein-coupled receptor 143; minus strand) and 7 more. Cytogenetic location: Xp22.31-22.2.
Variant type: Deletion.
Identifiers: ClinVar variation 2424250 (VCV002424250.4).